The following is an entry in ClinVar:

NM_001367624.2(ZNF469):c.9722G>T (p.Gly3241Val)

Gene: ZNF469 (zinc finger protein 469; plus strand). Cytogenetic location: 16q24.2.
Variant type: single nucleotide variant.
Coding change: c.9722G>T on transcript NM_001367624.2 (MANE Select); coding-DNA position 9722, G replaced by T.
Protein change: p.Gly3241Val; replaces glycine 3241 with valine.
Molecular consequence: missense variant.
Genome position (GRCh38, 1-based): chr16:88,437,192, G>T. VCF-style: chr16-88437192-G-T. GRCh37 (hg19) VCF-style: chr16-88503600-G-T.
Other names: NM_001127464.1:c.9638G>T; short protein forms G3241V.
Identifiers: ClinVar variation 2561851 (VCV002561851.2), dbSNP rs1391540533, ClinGen allele CA397124577.
Genomic context (GRCh38, chr16:88,437,192, plus strand): 5'-GCAGCGCTGTCGCCCACCTTCTGAACAGCATCACGGAACCCGCGCCCAAACACCACAGGG[G>T]CAAGCGCTCCGCCGGCAAGGCCGCCGGGAGCCCGGGAGACCCGTGGGGGCAAGAGGGAGA-3'
Protein context (NP_001354553.1, residues 3231-3251): ITEPAPKHHR[Gly3241Val]KRSAGKAAGS

ClinVar aggregate classification (germline): Uncertain significance (1 of 4 stars; one submission).

Conditions:
Cardiovascular phenotype. Identifiers: MedGen CN230736.

Submission:

Ambry Genetics
Classification: Uncertain significance for Cardiovascular phenotype. Last evaluated: 2023-05-26. Review status: criteria provided, single submitter. Criteria: Ambry Variant Classification Scheme 2023. Collection method: clinical testing. Allele origin: germline.
Comment: The p.G3213V variant (also known as c.9638G>T), located in coding exon 2 of the ZNF469 gene, results from a G to T substitution at nucleotide position 9638. The glycine at codon 3213 is replaced by valine, an amino acid with dissimilar properties. This amino acid position is conserved. In addition, this alteration is predicted to be tolerated by in silico analysis. Since supporting evidence is limited at this time, the clinical significance of this alteration remains unclear.